The following is an entry in ClinVar:

NM_004815.4(ARHGAP29):c.326C>A (p.Thr109Asn)

Gene: ARHGAP29 (Rho GTPase activating protein 29; minus strand). Cytogenetic location: 1p22.1.
Variant type: single nucleotide variant.
Coding change: c.326C>A on transcript NM_004815.4 (MANE Select); coding-DNA position 326, C replaced by A.
Protein change: p.Thr109Asn; replaces threonine 109 with asparagine.
Molecular consequence: missense variant.
Genome position (GRCh38, 1-based): chr1:94,220,272, G>T on the plus strand (C>A on the coding strand, the complement: ARHGAP29 is on the minus strand). VCF-style: chr1-94220272-G-T. GRCh37 (hg19) VCF-style: chr1-94685828-G-T.
Other names: c.326C>A, p.Thr109Asn (NM_001328664.2, NM_001328666.2); c.134C>A, p.Thr45Asn (NM_001328665.2, NM_001328667.2); short protein forms T109N, T45N.
Identifiers: ClinVar variation 1698135 (VCV001698135.2), dbSNP rs769366932, ClinGen allele CA341302496.

ClinVar aggregate classification (germline): Uncertain significance (1 of 4 stars; one submission).

gnomAD v4.1: 1 of 1,613,194 alleles (0.000062%); highest among the groups gnomAD compares: Admixed American, 0.0017%; no homozygotes.

Submission:

GeneDx
Classification: Uncertain significance. Last evaluated: 2022-01-21. Review status: criteria provided, single submitter. Criteria: GeneDx Variant Classification Process June 2021. Collection method: clinical testing. Allele origin: germline. Affected: yes.
Comment: Not observed at significant frequency in large population cohorts (gnomAD); In silico analysis supports that this missense variant does not alter protein structure/function; Has not been previously published as pathogenic or benign to our knowledge